The following is an entry in ClinVar:

NM_000834.5(GRIN2B):c.2959C>T (p.His987Tyr)

Gene: GRIN2B (glutamate ionotropic receptor NMDA type subunit 2B; minus strand). Cytogenetic location: 12p13.1.
Variant type: single nucleotide variant.
Coding change: c.2959C>T on transcript NM_000834.5 (MANE Select); coding-DNA position 2959, C replaced by T.
Protein change: p.His987Tyr; replaces histidine 987 with tyrosine.
Molecular consequence: missense variant.
Genome position (GRCh38, 1-based): chr12:13,564,279, G>A on the plus strand (C>T on the coding strand, the complement: GRIN2B is on the minus strand). VCF-style: chr12-13564279-G-A. GRCh37 (hg19) VCF-style: chr12-13717213-G-A.
Other names: c.2959C>T, p.His987Tyr (NM_001413992.1); short protein forms H987Y.
Identifiers: ClinVar variation 2930516 (VCV002930516.3), dbSNP rs144956856, ClinGen allele CA6460963.
Genomic context (GRCh38, chr12:13,564,279, plus strand): 5'-CACAGTCGTAGAGCCCATCGATGGAGCTGGCACTGCCAATACTATGGGGCCGGTGGTGAT[G>A]GTGGTAGTGATCTTGGTACACGTTGCTGTCCTTCAGCTGCAGGTTCCCGAACGTTCTCTC-3'
Protein context (NP_000825.2, residues 977-997): DSNVYQDHYH[His987Tyr]HHRPHSIGSA

ClinVar aggregate classification (germline): Uncertain significance (1 of 4 stars; one submission).

Conditions:
Intellectual developmental disorder, autosomal dominant 6, with or without seizures. Also called: GRIN2B-related developmental delay, intellectual disability and autism spectrum disorder; Intellectual disability, autosomal dominant 6. Identifiers: Orphanet 589547, MedGen C3151411, MONDO:0013509, OMIM 613970.
Developmental and epileptic encephalopathy, 27 (DEE27). Also called: Epileptic encephalopathy, early infantile, 27; GRIN2B-Related Neurodevelopmental Disorder. Identifiers: Orphanet 3451, MedGen C4015316, MONDO:0014505, OMIM 616139.

Allele frequency attached by ClinVar (database versions not stated): gnomAD exomes below 0.00001; ExAC 0.00002; gnomAD 0.00002; TOPMed 0.00003; ESP Exome Variant Server 0.00008.
gnomAD v4.1: 6 of 1,614,072 alleles (0.00037%); highest among the groups gnomAD compares: African/African-American, 0.0053%; no homozygotes.

Submission:

Labcorp Genetics (formerly Invitae), Labcorp
Classification: Uncertain significance for Developmental and epileptic encephalopathy, 27; Intellectual developmental disorder, autosomal dominant 6, with or without seizures. Last evaluated: 2026-01-19. Review status: criteria provided, single submitter. Criteria: Invitae Variant Classification Sherloc (09022015). Collection method: clinical testing. Allele origin: germline.
Comment: This sequence change replaces histidine, which is basic and polar, with tyrosine, which is neutral and polar, at codon 987 of the GRIN2B protein (p.His987Tyr). This variant is present in population databases (rs144956856, gnomAD 0.007%). This variant has not been reported in the literature in individuals affected with GRIN2B-related conditions. ClinVar contains an entry for this variant (Variation ID: 2930516). Invitae Evidence Modeling of protein sequence and biophysical properties (such as structural, functional, and spatial information, amino acid conservation, physicochemical variation, residue mobility, and thermodynamic stability) indicates that this missense variant is not expected to disrupt GRIN2B protein function with a negative predictive value of 95%. In summary, the available evidence is currently insufficient to determine the role of this variant in disease. Therefore, it has been classified as a Variant of Uncertain Significance.